The following is an entry in ClinVar:

NM_001009999.3(KDM1A):c.552A>T (p.Gly184=)

Gene: KDM1A (lysine demethylase 1A; plus strand). Cytogenetic location: 1p36.12.
Variant type: single nucleotide variant.
Coding change: c.552A>T on transcript NM_001009999.3 (MANE Select); coding-DNA position 552, A replaced by T.
Protein change: p.Gly184=; no amino-acid change (glycine 184 retained).
Molecular consequence: synonymous variant. On other transcripts: intron variant (3).
Genome position (GRCh38, 1-based): chr1:23,044,461, A>T. VCF-style: chr1-23044461-A-T. GRCh37 (hg19) VCF-style: chr1-23370954-A-T.
Other names: c.552A>T, p.Gly184= (NM_001410762.1); c.518-5926A>T (NM_001363654.2, NM_001410763.1, NM_015013.4).
Identifiers: ClinVar variation 3686981 (VCV003686981.2).

ClinVar aggregate classification (germline): Uncertain significance (1 of 4 stars; one submission).

gnomAD v4.1: 3 of 1,612,566 alleles (0.00019%); highest among the groups gnomAD compares: Non-Finnish European, 0.00025%; no homozygotes.

Submission:

Labcorp Genetics (formerly Invitae), Labcorp
Classification: Uncertain significance. Last evaluated: 2024-08-28. Review status: criteria provided, single submitter. Criteria: Invitae Variant Classification Sherloc (09022015). Collection method: clinical testing. Allele origin: germline.
Comment: This sequence change affects codon 184 of the KDM1A mRNA. It is a 'silent' change, meaning that it does not change the encoded amino acid sequence of the KDM1A protein. This variant is present in population databases (no rsID available, gnomAD 0.007%). This variant has not been reported in the literature in individuals affected with KDM1A-related conditions. Algorithms developed to predict the effect of sequence changes on RNA splicing suggest that this variant may create or strengthen a splice site. In summary, the available evidence is currently insufficient to determine the role of this variant in disease. Therefore, it has been classified as a Variant of Uncertain Significance.